The following is an entry in ClinVar:

NM_005245.4(FAT1):c.5854G>A (p.Val1952Ile)

Gene: FAT1 (FAT atypical cadherin 1; minus strand). Cytogenetic location: 4q35.2.
Variant type: single nucleotide variant.
Coding change: c.5854G>A on transcript NM_005245.4 (MANE Select); coding-DNA position 5854, G replaced by A.
Protein change: p.Val1952Ile; replaces valine 1952 with isoleucine.
Molecular consequence: missense variant.
Genome position (GRCh38, 1-based): chr4:186,620,732, C>T on the plus strand (G>A on the coding strand, the complement: FAT1 is on the minus strand). VCF-style: chr4-186620732-C-T. GRCh37 (hg19) VCF-style: chr4-187541886-C-T.
Other names: short protein forms V1952I.
Identifiers: ClinVar variation 1450529 (VCV001450529.8), dbSNP rs762168387, ClinGen allele CA3166367.
Genomic context (GRCh38, chr4:186,620,732, plus strand): 5'-TTTCTTTCACATTAATTTTGACAGAGGTAAGGCCGGCAAATCTGCCATCGGAAGCTCTAA[C>T]GGTTAGCTCGTAGCGGCTTCTTAACTGAGTTGTGTTTTGGACAGTGAGAGCACCAGTCTT-3'
Protein context (NP_005236.2, residues 1942-1962): TQLRSRYELT[Val1952Ile]RASDGRFAGL

ClinVar aggregate classification (germline): Uncertain significance (1 of 4 stars; one submission).

Allele frequency attached by ClinVar (database versions not stated): ExAC 0.00001; gnomAD 0.00001; gnomAD exomes 0.00001; TOPMed 0.00002.
gnomAD v4.1: 23 of 1,613,988 alleles (0.0014%); highest among the groups gnomAD compares: African/African-American, 0.0053%; no homozygotes.

Submission:

Labcorp Genetics (formerly Invitae), Labcorp
Classification: Uncertain significance. Last evaluated: 2021-06-05. Review status: criteria provided, single submitter. Criteria: Invitae Variant Classification Sherloc (09022015). Collection method: clinical testing. Allele origin: germline.
Comment: This sequence change replaces valine with isoleucine at codon 1952 of the FAT1 protein (p.Val1952Ile). The valine residue is highly conserved and there is a small physicochemical difference between valine and isoleucine. This variant is present in population databases (rs762168387, ExAC 0.001%). This variant has not been reported in the literature in individuals with FAT1-related conditions. Algorithms developed to predict the effect of missense changes on protein structure and function output the following: SIFT: "Tolerated"; PolyPhen-2: "Benign"; Align-GVGD: "Class C0". The isoleucine amino acid residue is found in multiple mammalian species, suggesting that this missense change does not adversely affect protein function. These predictions have not been confirmed by published functional studies and their clinical significance is uncertain. In summary, the available evidence is currently insufficient to determine the role of this variant in disease. Therefore, it has been classified as a Variant of Uncertain Significance.